The following is an entry in ClinVar:

NM_080425.4(GNAS):c.879T>C (p.Ser293=)

Gene: GNAS (GNAS complex locus; plus strand). Cytogenetic location: 20q13.32.
Variant type: single nucleotide variant.
Coding change: c.879T>C on transcript NM_080425.4 (MANE Plus Clinical); coding-DNA position 879, T replaced by C.
Protein change: p.Ser293=; no amino-acid change (serine 293 retained).
Molecular consequence: synonymous variant. On other transcripts: missense variant (2), intron variant (3).
Genome position (GRCh38, 1-based): chr20:58,854,144, T>C. VCF-style: chr20-58854144-T-C. GRCh37 (hg19) VCF-style: chr20-57429199-T-C.
Other names: c.692T>C, p.Leu231Pro (NM_001077490.3, NM_001309883.1); c.879T>C, p.Ser293= (NM_001410913.1); c.*42+13258T>C (NM_016592.5); c.43+13258T>C (NM_001410912.1); c.-39+12269T>C (NM_001309861.2); short protein forms L231P.
Identifiers: ClinVar variation 3349399 (VCV003349399.1).

ClinVar aggregate classification (germline): Uncertain significance (0 of 4 stars; one submission).

Conditions:
GNAS-related disorder. Identifiers: MedGen CN380105.

gnomAD v4.1: 2 of 1,612,518 alleles (0.00012%); highest among the groups gnomAD compares: Non-Finnish European, 0.00017%; no homozygotes.

Submission:

PreventionGenetics, part of Exact Sciences
Classification: Uncertain significance for GNAS-related condition. Last evaluated: 2023-11-17. Review status: no assertion criteria provided. Collection method: clinical testing. Allele origin: germline.
Comment: The GNAS c.692T>C variant is predicted to result in the amino acid substitution p.Leu231Pro. In the more commonly reported transcript (NM_000516.5), this variant is pre-coding (c.-37583T>C). To our knowledge, this variant has not been reported in the literature. This variant is reported in 0.00092% of alleles in individuals of European (Non-Finnish) descent in gnomAD. At this time, the clinical significance of this variant is uncertain due to the absence of conclusive functional and genetic evidence.